The following is an entry in ClinVar:

NM_001319074.4(RAX2):c.345G>A (p.Ser115=)

Gene: RAX2 (retina and anterior neural fold homeobox 2; minus strand). Cytogenetic location: 19p13.3.
Variant type: single nucleotide variant.
Coding change: c.345G>A on transcript NM_001319074.4 (MANE Select); coding-DNA position 345, G replaced by A.
Protein change: p.Ser115=; no amino-acid change (serine 115 retained).
Molecular consequence: synonymous variant.
Genome position (GRCh38, 1-based): chr19:3,770,831, C>T on the plus strand (G>A on the coding strand, the complement: RAX2 is on the minus strand). VCF-style: chr19-3770831-C-T. GRCh37 (hg19) VCF-style: chr19-3770829-C-T.
Other names: c.345G>A (NM_032753.3); c.345G>A, p.Ser115= (NM_032753.4).
Identifiers: ClinVar variation 1168020 (VCV001168020.11), dbSNP rs755282511, ClinGen allele CA9085041.

ClinVar aggregate classification (germline): Benign/Likely benign. Review status: criteria provided, multiple submitters, no conflicts (2 of 4 stars). 3 submissions from 3 submitters: Benign (1); Likely benign (1). 1 of the submissions does not count toward it. Last evaluated 2025-07-21.

Conditions:
RAX2-related disorder. Also called: RAX2-related disorders; RAX2-related condition.

Allele frequency attached by ClinVar (database versions not stated): TOPMed 0.00006; gnomAD 0.00007 and 0.00010; gnomAD exomes 0.00018; 1000 Genomes Project 30x 0.00031.

Submissions (3):

Labcorp Genetics (formerly Invitae), Labcorp
Classification: Benign. Last evaluated: 2025-07-21. Review status: criteria provided, single submitter. Criteria: Invitae Variant Classification Sherloc (09022015). Collection method: clinical testing. Allele origin: germline.

Blueprint Genetics
Classification: Likely benign. Last evaluated: 2024-08-30. Review status: criteria provided, single submitter. Criteria: ACMG Guidelines, 2015. Collection method: clinical testing. Allele origin: germline.

PreventionGenetics, part of Exact Sciences
Classification: Likely benign for RAX2-related condition. Last evaluated: 2024-09-16. Review status: no assertion criteria provided. Collection method: clinical testing. Allele origin: germline. Not counted in ClinVar's aggregate classification.
Comment: This variant is classified as likely benign based on ACMG/AMP sequence variant interpretation guidelines (Richards et al. 2015 PMID: 25741868, with internal and published modifications).